The following is an entry in ClinVar:

NM_001903.5(CTNNA1):c.1044T>C (p.Leu348=)

Gene: CTNNA1 (catenin alpha 1; plus strand). Cytogenetic location: 5q31.2.
Variant type: single nucleotide variant.
Coding change: c.1044T>C on transcript NM_001903.5 (MANE Select); coding-DNA position 1044, T replaced by C.
Protein change: p.Leu348=; no amino-acid change (leucine 348 retained).
Molecular consequence: synonymous variant.
Genome position (GRCh38, 1-based): chr5:138,827,700, T>C. VCF-style: chr5-138827700-T-C. GRCh37 (hg19) VCF-style: chr5-138163389-T-C.
Other names: c.1044T>C, p.Leu348= (NM_001290307.3, NM_001323982.2, NM_001323983.1 and 3 more transcripts); c.735T>C, p.Leu245= (NM_001290309.3); c.675T>C, p.Leu225= (NM_001290310.3).
Identifiers: ClinVar variation 700650 (VCV000700650.15), dbSNP rs755167476, ClinGen allele CA3431606.

ClinVar aggregate classification (germline): Benign/Likely benign. Review status: criteria provided, multiple submitters, no conflicts (2 of 4 stars). 4 submissions from 4 submitters: Benign (1); Likely benign (3). Last evaluated 2026-01-26.

Conditions:
Hereditary diffuse gastric adenocarcinoma (HDGC). Also called: DIFFUSE GASTRIC AND LOBULAR BREAST CANCER SYNDROME. Identifiers: Orphanet 26106, MedGen C1708349, MONDO:0007648, OMIM 137215.
Hereditary cancer-predisposing syndrome. Also called: Neoplastic Syndromes, Hereditary; Hereditary neoplastic syndrome; Hereditary Cancer Syndrome; Tumor predisposition. Identifiers: Orphanet 140162, MedGen C0027672, MeSH D009386, MONDO:0015356.

Allele frequency attached by ClinVar (database versions not stated): gnomAD 0.00001; gnomAD exomes 0.00001 and 0.00002; TOPMed 0.00001; ExAC 0.00002.
gnomAD v4.1: 26 of 1,614,106 alleles (0.0016%); highest among the groups gnomAD compares: East Asian, 0.0089%; no homozygotes.

Submissions (4):

Labcorp Genetics (formerly Invitae), Labcorp
Classification: Likely benign. Last evaluated: 2026-01-26. Review status: criteria provided, single submitter. Criteria: Invitae Variant Classification Sherloc (09022015). Collection method: clinical testing. Allele origin: germline.

Blueprint Genetics
Classification: Likely benign. Last evaluated: 2024-11-13. Review status: criteria provided, single submitter. Criteria: ACMG Guidelines, 2015. Collection method: clinical testing. Allele origin: germline.

Myriad Genetics, Inc.
Classification: Benign for Hereditary diffuse gastric adenocarcinoma. Last evaluated: 2024-10-10. Review status: criteria provided, single submitter. Criteria: Myriad Autosomal Dominant, Autosomal Recessive and X-Linked Classification Criteria (2023). Collection method: clinical testing. Allele origin: unknown.
Comment: This variant is considered benign. This variant is a silent/synonymous amino acid change and it is not expected to impact splicing.

Ambry Genetics
Classification: Likely benign for Hereditary cancer-predisposing syndrome. Last evaluated: 2020-10-05. Review status: criteria provided, single submitter. Criteria: Ambry Variant Classification Scheme 2023. Collection method: clinical testing. Allele origin: germline.